The following is an entry in ClinVar:

NM_194250.2(ZNF804A):c.2120C>A (p.Thr707Lys)

Gene: ZNF804A (zinc finger protein 804A; plus strand). Cytogenetic location: 2q32.1.
Variant type: single nucleotide variant.
Coding change: c.2120C>A on transcript NM_194250.2 (MANE Select); coding-DNA position 2120, C replaced by A.
Protein change: p.Thr707Lys; replaces threonine 707 with lysine.
Molecular consequence: missense variant.
Genome position (GRCh38, 1-based): chr2:184,937,516, C>A. VCF-style: chr2-184937516-C-A. GRCh37 (hg19) VCF-style: chr2-185802243-C-A.
Other names: short protein forms T707K.
Identifiers: ClinVar variation 3059400 (VCV003059400.2), dbSNP rs1366842, ClinGen allele CA2016088.

ClinVar aggregate classification (germline): Benign (0 of 4 stars; one submission).

Conditions:
ZNF804A-related disorder. Also called: ZNF804A-related condition.

Allele frequency attached by ClinVar (database versions not stated): ESP Exome Variant Server 0.42884; TOPMed 0.46548; gnomAD 0.47366; 1000 Genomes Project 30x 0.48048; 1000 Genomes Project 0.49002; ExAC 0.57771; gnomAD exomes 0.58243.
gnomAD v4.1: 918,375 of 1,607,472 alleles (57%); highest among the groups gnomAD compares: East Asian, 84%; 273,663 homozygotes.

Submission:

PreventionGenetics, part of Exact Sciences
Classification: Benign for ZNF804A-related condition. Last evaluated: 2019-10-17. Review status: no assertion criteria provided. Collection method: clinical testing. Allele origin: germline.
Comment: This variant is classified as benign based on ACMG/AMP sequence variant interpretation guidelines (Richards et al. 2015 PMID: 25741868, with internal and published modifications).